The following is an entry in ClinVar:

ClinVar aggregate classification (germline): Likely benign. Review status: criteria provided, multiple submitters, no conflicts (2 of 4 stars). 2 submissions from 2 submitters: Likely benign (2). Last evaluated 2024-12-01.

Allele frequency attached by ClinVar (database versions not stated): gnomAD exomes below 0.00001 and 0.00001; ExAC 0.00002; TOPMed 0.00002; gnomAD 0.00003.
gnomAD v4.1: 6 of 1,613,606 alleles (0.00037%); highest among the groups gnomAD compares: African/African-American, 0.0067%; no homozygotes.

Submissions (2):

CeGaT Center for Human Genetics Tuebingen
Classification: Likely benign. Last evaluated: 2024-12-01. Review status: criteria provided, single submitter. Criteria: CeGaT Center For Human Genetics Tuebingen Variant Classification Criteria Version 2. Collection method: clinical testing. Allele origin: germline. Affected: yes. Observed: 1 variant allele.
Comment: ADGRV1: BP4, BP7

Labcorp Genetics (formerly Invitae), Labcorp
Classification: Likely benign. Last evaluated: 2023-06-01. Review status: criteria provided, single submitter. Criteria: Invitae Variant Classification Sherloc (09022015). Collection method: clinical testing. Allele origin: germline.

NM_032119.4(ADGRV1):c.3081T>C (p.Asn1027=)

Gene: ADGRV1 (adhesion G protein-coupled receptor V1; plus strand). Cytogenetic location: 5q14.3.
Variant type: single nucleotide variant.
Coding change: c.3081T>C on transcript NM_032119.4 (MANE Select); coding-DNA position 3081, T replaced by C.
Protein change: p.Asn1027=; no amino-acid change (asparagine 1027 retained).
Molecular consequence: synonymous variant. On other transcripts: non-coding transcript variant (1).
Genome position (GRCh38, 1-based): chr5:90,647,556, T>C. VCF-style: chr5-90647556-T-C. GRCh37 (hg19) VCF-style: chr5-89943373-T-C.
Identifiers: ClinVar variation 1094602 (VCV001094602.22), dbSNP rs763280415, ClinGen allele CA3339100.